The following is an entry in ClinVar:

NM_020884.7(MYH7B):c.836A>G (p.Gln279Arg)

Gene: MYH7B (myosin heavy chain 7B; plus strand). Cytogenetic location: 20q11.22.
Variant type: single nucleotide variant.
Coding change: c.836A>G on transcript NM_020884.7 (MANE Select); coding-DNA position 836, A replaced by G.
Protein change: p.Gln279Arg; replaces glutamine 279 with arginine.
Molecular consequence: missense variant.
Genome position (GRCh38, 1-based): chr20:34,986,130, A>G. VCF-style: chr20-34986130-A-G. GRCh37 (hg19) VCF-style: chr20-33573933-A-G.
Other names: short protein forms Q279R.
Identifiers: ClinVar variation 3676544 (VCV003676544.2).

ClinVar aggregate classification (germline): Uncertain significance (1 of 4 stars; one submission).

Submission:

Labcorp Genetics (formerly Invitae), Labcorp
Classification: Uncertain significance. Last evaluated: 2024-10-27. Review status: criteria provided, single submitter. Criteria: Invitae Variant Classification Sherloc (09022015). Collection method: clinical testing. Allele origin: germline.
Comment: This sequence change replaces glutamine, which is neutral and polar, with arginine, which is basic and polar, at codon 321 of the MYH7B protein (p.Gln321Arg). This variant is present in population databases (no rsID available, gnomAD 0.01%). This variant has not been reported in the literature in individuals affected with MYH7B-related conditions. Invitae Evidence Modeling of protein sequence and biophysical properties (such as structural, functional, and spatial information, amino acid conservation, physicochemical variation, residue mobility, and thermodynamic stability) indicates that this missense variant is expected to disrupt MYH7B protein function with a positive predictive value of 80%. In summary, the available evidence is currently insufficient to determine the role of this variant in disease. Therefore, it has been classified as a Variant of Uncertain Significance.